The following is an entry in ClinVar:

NM_177438.3(DICER1):c.4474A>G (p.Met1492Val)

Gene: DICER1 (dicer 1, ribonuclease III; minus strand). Cytogenetic location: 14q32.13.
Variant type: single nucleotide variant.
Coding change: c.4474A>G on transcript NM_177438.3 (MANE Select); coding-DNA position 4474, A replaced by G.
Protein change: p.Met1492Val; replaces methionine 1492 with valine.
Molecular consequence: missense variant.
Genome position (GRCh38, 1-based): chr14:95,096,446, T>C on the plus strand (A>G on the coding strand, the complement: DICER1 is on the minus strand). VCF-style: chr14-95096446-T-C. GRCh37 (hg19) VCF-style: chr14-95562783-T-C.
Other names: c.4474A>G, p.Met1492Val (NM_001271282.3, NM_001291628.2, NM_030621.4 and 1 more transcripts); short protein forms M1492V.
Identifiers: ClinVar variation 477207 (VCV000477207.17), dbSNP rs756830706, ClinGen allele CA265898227.
Genomic context (GRCh38, chr14:95,096,446, plus strand): 5'-GATAGCACATTGCATCCCAAGAGCTGTAGTCAAAATCCTCAAAATCTGATGAAAATGGCA[T>C]ACTACCTAAGGAGGATTTTTTGGGCATTTTCCATTCATATGCAGAATCAGTGGTTGAAAA-3'
Protein context (NP_803187.1, residues 1482-1502): KMPKKSSLGS[Met1492Val]PFSSDFEDFD

ClinVar aggregate classification (germline): Conflicting classifications of pathogenicity. Review status: criteria provided, conflicting classifications (1 of 4 stars). 5 submissions from 5 submitters: Uncertain significance (2); Likely benign (3). Last evaluated 2026-10-01.

Conditions:
DICER1-related disorder. Also called: DICER1-related condition.
DICER1-related tumor predisposition. Also called: DICER1-related pleuropulmonary blastoma cancer predisposition syndrome; DICER1 syndrome. Identifiers: Orphanet 284343, MedGen C3839822, MONDO:0100216.
Hereditary cancer-predisposing syndrome. Also called: Hereditary neoplastic syndrome; Tumor predisposition; Neoplastic Syndromes, Hereditary; Hereditary Cancer Syndrome. Identifiers: Orphanet 140162, MedGen C0027672, MeSH D009386, MONDO:0015356.
Pleuropulmonary blastoma (PPB). Identifiers: Orphanet 64742, MedGen C1266144, MONDO:0011014, OMIM 601200, HP:0100528.

Allele frequency attached by ClinVar (database versions not stated): gnomAD exomes below 0.00001 and 0.00002; gnomAD 0.00001; TOPMed 0.00001.

Submissions (5):

St. Jude Molecular Pathology, St. Jude Children's Research Hospital
Classification: Uncertain significance for Pleuropulmonary blastoma. Last evaluated: 2026-10-01. Review status: criteria provided, single submitter. Criteria: St. Jude Assertion Criteria 2020. Collection method: clinical testing. Allele origin: germline.
Comment: The DICER1 c.4474A>G p.(Met1492Val) missense change has a maximum subpopulation frequency of 0.01% in gnomAD v2.1.1. The in silico tool REVEL predicts a benign effect on protein function, but to our knowledge this prediction has not been confirmed by functional studies. To our knowledge, this variant has n ot been reported in the literature in individuals with DICER1 syndrome. In summary, the evidence currently available is insufficient to determine the clinical significance of this variant. It has therefore been classified as of uncertain significance (VU S-Low).

Labcorp Genetics (formerly Invitae), Labcorp
Classification: Likely benign for DICER1-related tumor predisposition. Last evaluated: 2026-01-26. Review status: criteria provided, single submitter. Criteria: Invitae Variant Classification Sherloc (09022015). Collection method: clinical testing. Allele origin: germline.

PreventionGenetics, part of Exact Sciences
Classification: Likely benign for DICER1-related condition. Last evaluated: 2024-11-14. Review status: criteria provided, single submitter. Criteria: ACMG Guidelines, 2015. Collection method: clinical testing. Allele origin: germline.
Comment: This variant is classified as likely benign based on ACMG/AMP sequence variant interpretation guidelines (Richards et al. 2015 PMID: 25741868, with internal and published modifications).

GeneDx
Classification: Uncertain significance. Last evaluated: 2024-02-09. Review status: criteria provided, single submitter. Criteria: GeneDx Variant Classification Process June 2021. Collection method: clinical testing. Allele origin: germline. Affected: yes.
Comment: In silico analysis supports that this missense variant does not alter protein structure/function; Has not been previously published as pathogenic or benign to our knowledge

Ambry Genetics
Classification: Likely benign for Hereditary cancer-predisposing syndrome. Last evaluated: 2023-10-26. Review status: criteria provided, single submitter. Criteria: Ambry Variant Classification Scheme 2023. Collection method: clinical testing. Allele origin: germline.